The following is an entry in ClinVar:

ClinVar aggregate classification (germline): Likely benign (1 of 4 stars; one submission).

Allele frequency attached by ClinVar (database versions not stated): gnomAD 0.00001; TOPMed below 0.00001.
gnomAD v4.1: 3 of 1,613,558 alleles (0.00019%); highest among the groups gnomAD compares: Admixed American, 0.0017%; no homozygotes.

Submission:

CeGaT Center for Human Genetics Tuebingen
Classification: Likely benign. Last evaluated: 2023-03-01. Review status: criteria provided, single submitter. Criteria: CeGaT Center For Human Genetics Tuebingen Variant Classification Criteria Version 2. Collection method: clinical testing. Allele origin: germline. Affected: yes. Observed: 1 variant allele.
Comment: SNRPN: BP4, BP7

NM_003097.6(SNRPN):c.483T>C (p.Ile161=)

Genes: SNHG14 (small nucleolar RNA host gene 14; plus strand), SNRPN (small nuclear ribonucleoprotein polypeptide N; plus strand), SNURF (SNRPN upstream open reading frame; plus strand). Cytogenetic location: 15q11.2.
Variant type: single nucleotide variant.
Coding change: c.483T>C on transcript NM_003097.6 (MANE Select); coding-DNA position 483, T replaced by C.
Protein change: p.Ile161=; no amino-acid change (isoleucine 161 retained).
Molecular consequence: synonymous variant. On other transcripts: 3 prime UTR variant (1), non-coding transcript variant (1).
Genome position (GRCh38, 1-based): chr15:24,977,840, T>C. VCF-style: chr15-24977840-T-C. GRCh37 (hg19) VCF-style: chr15-25222987-T-C.
Other names: c.483T>C, p.Ile161= (NM_001400738.1, NM_001400739.1, NM_001400740.1 and 99 more transcripts); c.495T>C, p.Ile165= (NM_001378251.1, NM_001378252.1, NM_001378253.1 and 2 more transcripts); c.459T>C, p.Ile153= (NM_001378256.1, NM_001378257.1, NM_001400767.1); c.219T>C, p.Ile73= (NM_001400768.1); c.*671T>C (NM_005678.5).
Identifiers: ClinVar variation 2645011 (VCV002645011.22), dbSNP rs2077238898, ClinGen allele CA488822886.
Genomic context (GRCh38, chr15:24,977,840, plus strand): 5'-AATGACTCCACAGGGAAGAGGCACTGTAGCAGCTGCTGCTGTTGCTGCGACTGCCAGTAT[T>C]GCTGGAGCCCCAACACAGTACCCACCAGGACGGGGCACTCCGCCCCCACCCGTCGGCAGA-3'
Protein context (NP_003088.1, residues 151-171): AAAAVAATAS[Ile161=]AGAPTQYPPG